The following is an entry in ClinVar:

NM_021815.5(SLC5A7):c.46C>T (p.Leu16Phe)

Gene: SLC5A7 (solute carrier family 5 member 7; plus strand). Cytogenetic location: 2q12.3.
Variant type: single nucleotide variant.
Coding change: c.46C>T on transcript NM_021815.5 (MANE Select); coding-DNA position 46, C replaced by T.
Protein change: p.Leu16Phe; replaces leucine 16 with phenylalanine.
Molecular consequence: missense variant. On other transcripts: 5 prime UTR variant (1), intron variant (1).
Genome position (GRCh38, 1-based): chr2:107,988,201, C>T. VCF-style: chr2-107988201-C-T. GRCh37 (hg19) VCF-style: chr2-108604657-C-T.
Other names: c.46C>T, p.Leu16Phe (NM_001305005.3); c.-659C>T (NM_001305007.3); c.-138+1438C>T (NM_001305006.3); short protein forms L16F.
Identifiers: ClinVar variation 464174 (VCV000464174.59), dbSNP rs143876748, ClinGen allele CA1818872.

ClinVar aggregate classification (germline): Conflicting classifications of pathogenicity. Review status: criteria provided, conflicting classifications (1 of 4 stars). 8 submissions from 8 submitters: Uncertain significance (1); Benign (1); Likely benign (5). 1 of the submissions does not count toward it. Last evaluated 2026-02-01.

Conditions:
Inborn genetic diseases. Identifiers: MedGen C0950123, MeSH D030342.
Congenital myasthenic syndrome 20. Also called: Myasthenic syndrome, congenital, 20, presynaptic. Identifiers: MedGen C4310694, MONDO:0014939, OMIM 617143.
Neuronopathy, distal hereditary motor, type 7A. Also called: NEURONOPATHY, DISTAL HEREDITARY MOTOR, HARDING TYPE VIIA; NEUROPATHY, DISTAL HEREDITARY MOTOR, HARDING TYPE VIIA; Neuronopathy, distal hereditary motor, autosomal dominant 7; Neuronopathy, distal hereditary motor, type viia; HARPER-YOUNG MYOPATHY; HMN VIIA. Identifiers: Orphanet 139589, MedGen C1834703, MONDO:0008024, OMIM 158580.
SLC5A7-related disorder. Also called: SLC5A7-related condition.

Allele frequency attached by ClinVar (database versions not stated): 1000 Genomes Project 0.00020; 1000 Genomes Project 30x 0.00047; TOPMed 0.00090; gnomAD 0.00118; ESP Exome Variant Server 0.00123.

Submissions (8):

Labcorp Genetics (formerly Invitae), Labcorp
Classification: Likely benign for Neuronopathy, distal hereditary motor, type 7A; Congenital myasthenic syndrome 20. Last evaluated: 2026-02-01. Review status: criteria provided, single submitter. Criteria: Invitae Variant Classification Sherloc (09022015). Collection method: clinical testing. Allele origin: germline.

Mayo Clinic Laboratories, Mayo Clinic
Classification: Benign. Last evaluated: 2025-01-31. Review status: criteria provided, single submitter. Criteria: ACMG Guidelines, 2015. Collection method: clinical testing. Allele origin: germline. Observed: 7 variant alleles.
Comment: BS1, BS2

Women's Health and Genetics/Laboratory Corporation of America, LabCorp
Classification: Likely benign. Last evaluated: 2025-01-13. Review status: criteria provided, single submitter. Criteria: LabCorp Variant Classification Summary - May 2015. Collection method: clinical testing. Allele origin: germline.
Comment: Variant summary: SLC5A7 c.46C>T (p.Leu16Phe) results in a non-conservative amino acid change in the encoded protein sequence. Three of five in-silico tools predict a damaging effect of the variant on protein function. The variant allele was found at a frequency of 0.0014 in 1614090 control chromosomes in the gnomAD database, including 5 homozygotes. Although this frequency is not significantly higher than estimated for a pathogenic variant in SLC5A7 causing Congenital myasthenic syndrome 20 (0.0014 vs 0.035), the presence of homozygotes in controls suggest that the variant may be benign. To our knowledge, no occurrence of c.46C>T in individuals affected with Congenital myasthenic syndrome 20 and no experimental evidence demonstrating its impact on protein function have been reported. ClinVar contains an entry for this variant (Variation ID: 464174). Based on the evidence outlined above, the variant was classified as likely benign.

GeneDx
Classification: Likely benign. Last evaluated: 2024-08-27. Review status: criteria provided, single submitter. Criteria: GeneDx Variant Classification Process June 2021. Collection method: clinical testing. Allele origin: germline. Affected: yes.
Comment: See Variant Classification Assertion Criteria.

CeGaT Center for Human Genetics Tuebingen
Classification: Uncertain significance. Last evaluated: 2022-11-01. Review status: criteria provided, single submitter. Criteria: CeGaT Center For Human Genetics Tuebingen Variant Classification Criteria Version 2. Collection method: clinical testing. Allele origin: germline. Affected: yes. Observed: 1 variant allele.

ARUP Laboratories, Molecular Genetics and Genomics, ARUP Laboratories
Classification: Likely benign. Last evaluated: 2022-03-07. Review status: criteria provided, single submitter. Criteria: ARUP Molecular Germline Variant Investigation Process 2021. Collection method: clinical testing. Allele origin: germline.

Ambry Genetics
Classification: Likely benign for Inborn genetic diseases. Last evaluated: 2019-12-28. Review status: criteria provided, single submitter. Criteria: Ambry Variant Classification Scheme 2023. Collection method: clinical testing. Allele origin: germline.

PreventionGenetics, part of Exact Sciences
Classification: Likely benign for SLC5A7-related condition. Last evaluated: 2022-02-14. Review status: no assertion criteria provided. Collection method: clinical testing. Allele origin: germline. Not counted in ClinVar's aggregate classification.
Comment: This variant is classified as likely benign based on ACMG/AMP sequence variant interpretation guidelines (Richards et al. 2015 PMID: 25741868, with internal and published modifications).